The following is an entry in ClinVar:

ClinVar aggregate classification (germline): Uncertain significance. Review status: criteria provided, multiple submitters, no conflicts (2 of 4 stars). 3 submissions from 3 submitters: Uncertain significance (3). Last evaluated 2026-09-19.

Conditions:
ATP8B1-related disorder. Also called: ATP8B1-related condition; ATP8B1-related disorders.
Inborn genetic diseases. Identifiers: MedGen C0950123, MeSH D030342.

Allele frequency attached by ClinVar (database versions not stated): gnomAD 0.00005; ESP Exome Variant Server 0.00023.
gnomAD v4.1: 22 of 1,611,356 alleles (0.0014%); highest among the groups gnomAD compares: African/African-American, 0.024%; no homozygotes.

Submissions (3):

PreventionGenetics, part of Exact Sciences
Classification: Uncertain significance for ATP8B1-related condition. Last evaluated: 2026-09-19. Review status: criteria provided, single submitter. Criteria: ACMG Guidelines, 2015. Collection method: clinical testing. Allele origin: germline.
Comment: The ATP8B1 c.3682C>G variant is predicted to result in the amino acid substitution p.Arg1228Gly. To our knowledge, this variant has not been reported in the literature. This variant is reported in 0.032% of alleles in individuals of African descent in gnomAD. At this time, the clinical significance of this variant is uncertain due to the absence of conclusive functional and genetic evidence.

Ambry Genetics
Classification: Uncertain significance for Inborn genetic diseases. Last evaluated: 2025-08-31. Review status: criteria provided, single submitter. Criteria: Ambry Variant Classification Scheme 2023. Collection method: clinical testing. Allele origin: germline.

Labcorp Genetics (formerly Invitae), Labcorp
Classification: Uncertain significance. Last evaluated: 2022-06-19. Review status: criteria provided, single submitter. Criteria: Invitae Variant Classification Sherloc (09022015). Collection method: clinical testing. Allele origin: germline.
Comment: This sequence change replaces arginine, which is basic and polar, with glycine, which is neutral and non-polar, at codon 1228 of the ATP8B1 protein (p.Arg1228Gly). This variant is present in population databases (rs371785570, gnomAD 0.04%). This variant has not been reported in the literature in individuals affected with ATP8B1-related conditions. Algorithms developed to predict the effect of missense changes on protein structure and function are either unavailable or do not agree on the potential impact of this missense change (SIFT: "Deleterious"; PolyPhen-2: "Benign"; Align-GVGD: "Class C65"). In summary, the available evidence is currently insufficient to determine the role of this variant in disease. Therefore, it has been classified as a Variant of Uncertain Significance.

NM_001374385.1(ATP8B1):c.3682C>G (p.Arg1228Gly)

Genes: ATP8B1 (ATPase phospholipid transporting 8B1; minus strand), ATP8B1-AS1 (ATP8B1 antisense RNA 1; plus strand). Cytogenetic location: 18q21.31.
Variant type: single nucleotide variant.
Coding change: c.3682C>G on transcript NM_001374385.1 (MANE Select); coding-DNA position 3682, C replaced by G.
Protein change: p.Arg1228Gly; replaces arginine 1228 with glycine.
Molecular consequence: missense variant.
Genome position (GRCh38, 1-based): chr18:57,648,562, G>C on the plus strand (C>G on the coding strand, the complement: ATP8B1 is on the minus strand). VCF-style: chr18-57648562-G-C. GRCh37 (hg19) VCF-style: chr18-55315794-G-C.
Other names: c.3532C>G, p.Arg1178Gly (NM_001374386.1); c.3682C>G, p.Arg1228Gly (NM_005603.6); c.3682C>G (NM_005603.4); short protein forms R1178G, R1228G.
Identifiers: ClinVar variation 2414544 (VCV002414544.6), dbSNP rs371785570, ClinGen allele CA8973937.